The following is an entry in ClinVar:

NM_000127.3(EXT1):c.572T>G (p.Leu191Ter)

Gene: EXT1 (exostosin glycosyltransferase 1; minus strand). Cytogenetic location: 8q24.11.
Variant type: single nucleotide variant.
Coding change: c.572T>G on transcript NM_000127.3 (MANE Select); coding-DNA position 572, T replaced by G.
Protein change: p.Leu191Ter; replaces leucine 191 with a stop codon.
Molecular consequence: nonsense.
Genome position (GRCh38, 1-based): chr8:118,110,475, A>C on the plus strand (T>G on the coding strand, the complement: EXT1 is on the minus strand). VCF-style: chr8-118110475-A-C. GRCh37 (hg19) VCF-style: chr8-119122714-A-C.
Other names: short protein forms L191*.
Identifiers: ClinVar variation 4819356 (VCV004819356.1).
Genomic context (GRCh38, chr8:118,110,475, plus strand): 5'-ATGTCAAACCCCACGTCCTCGGTGTAGTCAGGCCAAGTGCCGGAATATAAATTAAAAATT[A>C]AATGATTCCTACCATTGTTCCACAAGTGGAGACTCTGCACTTTGGATCTCAAATTGTGCA-3'

ClinVar aggregate classification (germline): Pathogenic (1 of 4 stars; one submission).

Conditions:
Exostoses, multiple, type 1 (EXT1). Also called: EXOSTOSES, MULTIPLE, TYPE I; Hereditary Multiple Osteochondromatosis, Type I. Identifiers: MedGen CN263289, MONDO:0007585, OMIM 133700.

Submission:

Clinical Biomedical Laboratory, Shriners Hospital For Children - Canada
Classification: Pathogenic for Exostoses, multiple, type 1. Review status: criteria provided, single submitter. Criteria: ACMG Guidelines, 2015. Collection method: clinical testing. Allele origin: germline. Affected: yes.
Comment: This variant is predicted to substitute a leucine residue by a stop codon. This is expected to lead to degradation of the affected transcript and loss of function of the affected allele. This variant is absent from the Genome Aggregation Database (v2.1.1.), indicating it is very rare. Based on the ACMG variant interpretation guidelines (criteria: PVS1, PM2, PP4), the available evidence supports classification of this variant as pathogenic.